The following is an entry in ClinVar:

NM_001374353.1(GLI2):c.1905+7G>A

Gene: GLI2 (GLI family zinc finger 2; plus strand). Cytogenetic location: 2q14.2.
Variant type: single nucleotide variant.
Coding change: c.1905+7G>A on transcript NM_001374353.1 (MANE Select); 7 bases into the intron after coding-DNA position 1905, G replaced by A.
Molecular consequence: intron variant.
Genome position (GRCh38, 1-based): chr2:120,984,750, G>A. VCF-style: chr2-120984750-G-A. GRCh37 (hg19) VCF-style: chr2-121742326-G-A.
Other names: c.1956+7G>A (NM_001371271.1, NM_005270.5); c.1530+7G>A (NM_001374354.1).
Identifiers: ClinVar variation 783095 (VCV000783095.12), dbSNP rs372198430, ClinGen allele CA1852058.

ClinVar aggregate classification (germline): Likely benign. Review status: criteria provided, multiple submitters, no conflicts (2 of 4 stars). 4 submissions from 4 submitters: Likely benign (3). 1 of the submissions does not count toward it. Last evaluated 2025-12-17.

Conditions:
Holoprosencephaly 9 (HPE9). Also called: PITUITARY ANOMALIES WITH HOLOPROSENCEPHALY-LIKE FEATURES; HOLOPROSENCEPHALY WITH MICROPHTHALMIA AND FIRST BRANCHIAL ARCH ANOMALIES. Identifiers: Orphanet 2162, MedGen C1835819, MONDO:0012563, OMIM 610829.
Postaxial polydactyly-anterior pituitary anomalies-facial dysmorphism syndrome. Also called: Culler-Jones syndrome. Identifiers: Orphanet 420584, MedGen C4014479, MONDO:0014369, OMIM 615849.
GLI2-related disorder. Also called: GLI2-related condition; GLI2-related disorders.

Allele frequency attached by ClinVar (database versions not stated): ExAC 0.00009; gnomAD exomes 0.00012 and 0.00030; gnomAD 0.00013 and 0.00014; TOPMed 0.00016; ESP Exome Variant Server 0.00023.
gnomAD v4.1: 448 of 1,611,538 alleles (0.028%); highest among the groups gnomAD compares: East Asian, 0.29%; 1 homozygote.

Submissions (4):

Labcorp Genetics (formerly Invitae), Labcorp
Classification: Likely benign for Postaxial polydactyly-anterior pituitary anomalies-facial dysmorphism syndrome; Holoprosencephaly 9. Last evaluated: 2025-12-17. Review status: criteria provided, single submitter. Criteria: Invitae Variant Classification Sherloc (09022015). Collection method: clinical testing. Allele origin: germline.

Blueprint Genetics
Classification: Likely benign. Last evaluated: 2023-05-19. Review status: criteria provided, single submitter. Criteria: ACMG Guidelines, 2015. Collection method: clinical testing. Allele origin: germline.

Illumina Laboratory Services, Illumina
Classification: Likely benign for Holoprosencephaly 9. Last evaluated: 2018-01-13. Review status: criteria provided, single submitter. Criteria: ICSL Variant Classification Criteria 13 December 2019. Collection method: clinical testing. Allele origin: germline.
Comment: This variant was observed in the ICSL laboratory as part of a predisposition screen in an ostensibly healthy population. It had not been previously curated by ICSL or reported in the Human Gene Mutation Database (HGMD: prior to June 1st, 2018), and was therefore a candidate for classification through an automated scoring system. Utilizing variant allele frequency, disease prevalence and penetrance estimates, and inheritance mode, an automated score was calculated to assess if this variant is too frequent to cause the disease. Based on the score and internal cut-off values, a variant classified as likely benign is not then subjected to further curation. The score for this variant resulted in a classification of likely benign for this disease.

PreventionGenetics, part of Exact Sciences
Classification: Likely benign for GLI2-related condition. Last evaluated: 2021-12-17. Review status: no assertion criteria provided. Collection method: clinical testing. Allele origin: germline. Not counted in ClinVar's aggregate classification.
Comment: This variant is classified as likely benign based on ACMG/AMP sequence variant interpretation guidelines (Richards et al. 2015 PMID: 25741868, with internal and published modifications).